The following is an entry in ClinVar:

ClinVar aggregate classification (germline): Uncertain significance (1 of 4 stars; one submission).

Conditions:
Inborn genetic diseases. Identifiers: MedGen C0950123, MeSH D030342.

Submission:

Ambry Genetics
Classification: Uncertain significance for Inborn genetic diseases. Last evaluated: 2025-01-28. Review status: criteria provided, single submitter. Criteria: Ambry Variant Classification Scheme 2023. Collection method: clinical testing. Allele origin: germline.
Comment: The p.K1177N variant (also known as c.3531A>C), located in coding exon 24 of the ANKRD26 gene, results from an A to C substitution at nucleotide position 3531. The lysine at codon 1177 is replaced by asparagine, an amino acid with similar properties. This amino acid position is conserved. In addition, this alteration is predicted to be tolerated by in silico analysis. Based on the available evidence, the clinical significance of this variant remains unclear.

NM_014915.3(ANKRD26):c.3531A>C (p.Lys1177Asn)

Gene: ANKRD26 (ankyrin repeat domain containing 26; minus strand). Cytogenetic location: 10p12.1.
Variant type: single nucleotide variant.
Coding change: c.3531A>C on transcript NM_014915.3 (MANE Select); coding-DNA position 3531, A replaced by C.
Protein change: p.Lys1177Asn; replaces lysine 1177 with asparagine.
Molecular consequence: missense variant.
Genome position (GRCh38, 1-based): chr10:27,034,919, T>G on the plus strand (A>C on the coding strand, the complement: ANKRD26 is on the minus strand). VCF-style: chr10-27034919-T-G. GRCh37 (hg19) VCF-style: chr10-27323848-T-G.
Other names: c.3528A>C, p.Lys1176Asn (NM_001256053.2); short protein forms K1177N, K1176N.
Identifiers: ClinVar variation 3870855 (VCV003870855.1).